The following is an entry in ClinVar:

NC_000023.10:g.(?_31747728)_(33229429_?)del

Gene: DMD (dystrophin; minus strand). Cytogenetic location: Xp21.1.
Variant type: Deletion.
Identifiers: ClinVar variation 1353355 (VCV001353355.4).

ClinVar aggregate classification (germline): Pathogenic (1 of 4 stars; one submission).

Conditions:
Duchenne muscular dystrophy (DMD). Also called: MUSCULAR DYSTROPHY, PSEUDOHYPERTROPHIC PROGRESSIVE, DUCHENNE TYPE; Duchenne Muscular Dystrophy (DMD). Identifiers: Orphanet 98896, MedGen C0013264, MONDO:0010679, OMIM 310200.

Submission:

Labcorp Genetics (formerly Invitae), Labcorp
Classification: Pathogenic for Duchenne muscular dystrophy. Last evaluated: 2021-07-13. Review status: criteria provided, single submitter. Criteria: Invitae Variant Classification Sherloc (09022015). Collection method: clinical testing. Allele origin: germline.
Comment: This variant is a gross deletion of the genomic region encompassing exon(s) 1-52 of the DMD gene, which includes the initiator codon. The 5' end of this event is unknown as it extends beyond the assayed region for this gene and therefore may encompass additional genes. The 3' boundary is likely confined to intron 52 of the DMD gene. It is expected to result in an absent or disrupted protein product. Loss-of-function variants in DMD are known to be pathogenic (PMID: 16770791, 25007885). This variant has not been reported in the literature in individuals affected with DMD-related conditions. For these reasons, this variant has been classified as Pathogenic.

Literature cited by the submitters: PubMed 16770791; PubMed 25007885.